The following is an entry in ClinVar:

ClinVar aggregate classification (germline): Uncertain significance (1 of 4 stars; one submission).

gnomAD v4.1: 1 of 1,522,550 alleles (0.000066%); highest among the groups gnomAD compares: Middle Eastern, 0.018%; no homozygotes.

Submission:

Ambry Genetics
Classification: Uncertain significance. Last evaluated: 2025-07-04. Review status: criteria provided, single submitter. Criteria: Ambry Variant Classification Scheme 2023. Collection method: clinical testing. Allele origin: germline.
Comment: The p.P1814L variant (also known as c.5441C>T), located in coding exon 22 of the WNK2 gene, results from a C to T substitution at nucleotide position 5441. The proline at codon 1814 is replaced by leucine, an amino acid with similar properties. This amino acid position is conserved. In addition, this alteration is predicted to be tolerated by in silico analysis. Based on the available evidence, the clinical significance of this variant remains unclear.

NM_006648.4(WNK2):c.5441C>T (p.Pro1814Leu)

Gene: WNK2 (WNK lysine deficient protein kinase 2; plus strand). Cytogenetic location: 9q22.31.
Variant type: single nucleotide variant.
Coding change: c.5441C>T on transcript NM_006648.4 (MANE Select); coding-DNA position 5441, C replaced by T.
Protein change: p.Pro1814Leu; replaces proline 1814 with leucine.
Molecular consequence: missense variant.
Genome position (GRCh38, 1-based): chr9:93,292,906, C>T. VCF-style: chr9-93292906-C-T. GRCh37 (hg19) VCF-style: chr9-96055188-C-T.
Other names: c.5552C>T, p.Pro1851Leu (NM_001282394.3); short protein forms P1814L, P1851L.
Identifiers: ClinVar variation 4201588 (VCV004201588.1).